The following is an entry in ClinVar:

ClinVar aggregate classification (germline): Uncertain significance (1 of 4 stars; one submission).

Submission:

GeneDx
Classification: Uncertain significance. Last evaluated: 2025-06-13. Review status: criteria provided, single submitter. Criteria: GeneDx Variant Classification Process June 2021. Collection method: clinical testing. Allele origin: germline. Affected: yes.
Comment: Not observed at significant frequency in large population cohorts (gnomAD); Missense variant in a gene in which most reported pathogenic variants are truncating/loss of function

NM_001267550.2(TTN):c.92053A>G (p.Ile30685Val)

Genes: TTN (titin; minus strand), TTN-AS1 (TTN antisense RNA 1; plus strand). Cytogenetic location: 2q31.2.
Variant type: single nucleotide variant.
Coding change: c.92053A>G on transcript NM_001267550.2 (MANE Select); coding-DNA position 92053, A replaced by G.
Protein change: p.Ile30685Val; replaces isoleucine 30685 with valine.
Molecular consequence: missense variant.
Genome position (GRCh38, 1-based): chr2:178,549,669, T>C on the plus strand (A>G on the coding strand, the complement: TTN is on the minus strand). VCF-style: chr2-178549669-T-C. GRCh37 (hg19) VCF-style: chr2-179414396-T-C.
Other names: c.64858A>G, p.Ile21620Val (NM_003319.4); c.84349A>G, p.Ile28117Val (NM_133378.4); c.65233A>G, p.Ile21745Val (NM_133432.3); c.65434A>G, p.Ile21812Val (NM_133437.4); c.87130A>G, p.Ile29044Val (NM_001256850.1); short protein forms I21620V, I21745V, I21812V, I28117V, I29044V, I30685V.
Identifiers: ClinVar variation 4537661 (VCV004537661.1).